The following is an entry in ClinVar:

ClinVar aggregate classification (germline): Uncertain significance. Review status: criteria provided, multiple submitters, no conflicts (2 of 4 stars). 2 submissions from 2 submitters: Uncertain significance (2). Last evaluated 2024-10-07.

Conditions:
Inborn genetic diseases. Identifiers: MedGen C0950123, MeSH D030342.

gnomAD v4.1: 16 of 1,613,044 alleles (0.00099%); highest among the groups gnomAD compares: Non-Finnish European, 0.0014%; no homozygotes.

Submissions (2):

Ambry Genetics
Classification: Uncertain significance for Inborn genetic diseases. Last evaluated: 2024-10-07. Review status: criteria provided, single submitter. Criteria: Ambry Variant Classification Scheme 2023. Collection method: clinical testing. Allele origin: germline.

Labcorp Genetics (formerly Invitae), Labcorp
Classification: Uncertain significance. Last evaluated: 2024-08-21. Review status: criteria provided, single submitter. Criteria: Invitae Variant Classification Sherloc (09022015). Collection method: clinical testing. Allele origin: germline.
Comment: This sequence change replaces valine, which is neutral and non-polar, with alanine, which is neutral and non-polar, at codon 161 of the COL11A2 protein (p.Val161Ala). This variant is not present in population databases (gnomAD no frequency). This variant has not been reported in the literature in individuals affected with COL11A2-related conditions. Invitae Evidence Modeling of protein sequence and biophysical properties (such as structural, functional, and spatial information, amino acid conservation, physicochemical variation, residue mobility, and thermodynamic stability) indicates that this missense variant is not expected to disrupt COL11A2 protein function with a negative predictive value of 95%. In summary, the available evidence is currently insufficient to determine the role of this variant in disease. Therefore, it has been classified as a Variant of Uncertain Significance.

NM_080680.3(COL11A2):c.482T>C (p.Val161Ala)

Gene: COL11A2 (collagen type XI alpha 2 chain; minus strand). Cytogenetic location: 6p21.32.
Variant type: single nucleotide variant.
Coding change: c.482T>C on transcript NM_080680.3 (MANE Select); coding-DNA position 482, T replaced by C.
Protein change: p.Val161Ala; replaces valine 161 with alanine.
Molecular consequence: missense variant. On other transcripts: 5 prime UTR variant (3), non-coding transcript variant (1).
Genome position (GRCh38, 1-based): chr6:33,188,486, A>G on the plus strand (T>C on the coding strand, the complement: COL11A2 is on the minus strand). VCF-style: chr6-33188486-A-G. GRCh37 (hg19) VCF-style: chr6-33156263-A-G.
Other names: c.482T>C, p.Val161Ala (NM_001163771.2, NM_001424108.1, NM_080679.3 and 1 more transcripts); c.-365T>C (NM_001424109.1, NM_001424110.1, NM_001424111.1); short protein forms V161A.
Identifiers: ClinVar variation 3495040 (VCV003495040.3).